The following is an entry in ClinVar:

ClinVar aggregate classification (germline): Uncertain significance (1 of 4 stars; one submission).

gnomAD v4.1: 4 of 1,606,160 alleles (0.00025%); highest among the groups gnomAD compares: African/African-American, 0.0013%; no homozygotes.

Submission:

Labcorp Genetics (formerly Invitae), Labcorp
Classification: Uncertain significance. Last evaluated: 2025-11-09. Review status: criteria provided, single submitter. Criteria: Invitae Variant Classification Sherloc (09022015). Collection method: clinical testing. Allele origin: germline.
Comment: This sequence change replaces leucine, which is neutral and non-polar, with valine, which is neutral and non-polar, at codon 400 of the FOCAD protein (p.Leu400Val). This variant is not present in population databases (gnomAD no frequency). This variant has not been reported in the literature in individuals affected with FOCAD-related conditions. Experimental studies and prediction algorithms are not available or were not evaluated, and the functional significance of this variant is currently unknown. In summary, the available evidence is currently insufficient to determine the role of this variant in disease. Therefore, it has been classified as a Variant of Uncertain Significance.

NM_001375567.1(FOCAD):c.1198C>G (p.Leu400Val)

Gene: FOCAD (focadhesin; plus strand). Cytogenetic location: 9p21.3.
Variant type: single nucleotide variant.
Coding change: c.1198C>G on transcript NM_001375567.1 (MANE Select); coding-DNA position 1198, C replaced by G.
Protein change: p.Leu400Val; replaces leucine 400 with valine.
Molecular consequence: missense variant.
Genome position (GRCh38, 1-based): chr9:20,789,351, C>G. VCF-style: chr9-20789351-C-G. GRCh37 (hg19) VCF-style: chr9-20789350-C-G.
Other names: c.1198C>G, p.Leu400Val (NM_001375568.1, NM_017794.5); c.1093C>G, p.Leu365Val (NM_001375570.1); short protein forms L400V, L365V.
Identifiers: ClinVar variation 4710506 (VCV004710506.1).